The following is an entry in ClinVar:

NM_000138.5(FBN1):c.5703del (p.Asn1902fs)

Gene: FBN1 (fibrillin 1; minus strand). Cytogenetic location: 15q21.1.
Variant type: Deletion.
Coding change: c.5703del on transcript NM_000138.5 (MANE Select); coding-DNA position 5703, one base deleted (G; older notation c.5703delG).
Protein change: p.Asn1902fs; shifts the reading frame from asparagine 1902.
Molecular consequence: frameshift variant.
Genome position (GRCh38, 1-based): chr15:48,446,791, C deleted on the plus strand (G on the coding strand, the reverse complement: FBN1 is on the minus strand); the first of 3 consecutive C bases (chr15:48,446,791-48,446,793); deleting any one gives the same sequence. VCF-style (leftmost placement, unchanged base first): chr15-48446790-TC-T. GRCh37 (hg19) VCF-style: chr15-48738987-TC-T.
Other names: c.5701delG, p.Asn1902Metfs (NM_001406716.1); short protein forms N1902fs.
Identifiers: ClinVar variation 2028656 (VCV002028656.4), dbSNP rs2505458686, ClinGen allele CA2580089695.

ClinVar aggregate classification (germline): Pathogenic (1 of 4 stars; one submission).

Conditions:
Familial thoracic aortic aneurysm and aortic dissection (TAAD). Also called: Thoracic aortic aneurysms and dissections. Identifiers: Orphanet 91387, MedGen C4707243, MONDO:0019625.
Marfan syndrome (MFS). Also called: MARFAN SYNDROME, TYPE I; Marfan syndrome type 1; Marfan's syndrome; Marfan syndrome, classic; FBN1-Related Marfan Syndrome. Identifiers: Orphanet 284963, Orphanet 558, MedGen C0024796, MONDO:0007947, OMIM 154700.

Submission:

Labcorp Genetics (formerly Invitae), Labcorp
Classification: Pathogenic for Marfan syndrome; Familial thoracic aortic aneurysm and aortic dissection. Last evaluated: 2022-11-04. Review status: criteria provided, single submitter. Criteria: Invitae Variant Classification Sherloc (09022015). Collection method: clinical testing. Allele origin: germline.
Comment: This variant is not present in population databases (gnomAD no frequency). This sequence change creates a premature translational stop signal (p.Asn1902Metfs*28) in the FBN1 gene. It is expected to result in an absent or disrupted protein product. Loss-of-function variants in FBN1 are known to be pathogenic (PMID: 17657824, 19293843). This variant has not been reported in the literature in individuals affected with FBN1-related conditions. For these reasons, this variant has been classified as Pathogenic.

Literature cited by the submitters: PubMed 17657824; PubMed 19293843.